The following is an entry in ClinVar:

NM_005591.4(MRE11):c.2096A>G (p.Asn699Ser)

Gene: MRE11 (MRE11 double strand break repair nuclease; minus strand). Cytogenetic location: 11q21.
Variant type: single nucleotide variant.
Coding change: c.2096A>G on transcript NM_005591.4 (MANE Select); coding-DNA position 2096, A replaced by G.
Protein change: p.Asn699Ser; replaces asparagine 699 with serine.
Molecular consequence: missense variant.
Genome position (GRCh38, 1-based): chr11:94,420,156, T>C on the plus strand (A>G on the coding strand, the complement: MRE11 is on the minus strand). VCF-style: chr11-94420156-T-C. GRCh37 (hg19) VCF-style: chr11-94153322-T-C.
Other names: c.2093A>G, p.Asn698Ser (NM_001330347.2); c.2012A>G, p.Asn671Ser (NM_005590.4); short protein forms N699S, N671S, N698S.
Identifiers: ClinVar variation 233046 (VCV000233046.14), dbSNP rs876660153, ClinGen allele CA10579351.
Genomic context (GRCh38, chr11:94,420,156, plus strand): 5'-TTGCATGTTTCTCAGTGCCATTAAATATATTATCTTCTATTTCTTCTTAAAGAACTAGTG[T>C]TCATAAAAGGATCATCATCATCATCCTGAAATGAGATACAAATGTTGTATTAGTGATTGT-3'
Protein context (NP_005582.1, residues 689-708): SEDDDDDPFM[Asn699Ser]TSSLRRNRR

ClinVar aggregate classification (germline): Uncertain significance. Review status: criteria provided, multiple submitters, no conflicts (2 of 4 stars). 2 submissions from 2 submitters: Uncertain significance (2). Last evaluated 2018-06-13.

Conditions:
Ataxia-telangiectasia-like disorder (ATLD). Identifiers: MedGen C1858391, MONDO:0011457.
Hereditary cancer-predisposing syndrome. Also called: Neoplastic Syndromes, Hereditary; Tumor predisposition; Hereditary Cancer Syndrome; Hereditary neoplastic syndrome. Identifiers: Orphanet 140162, MedGen C0027672, MeSH D009386, MONDO:0015356.

Allele frequency attached by ClinVar (database versions not stated): gnomAD exomes below 0.00001.
gnomAD v4.1: 4 of 1,581,494 alleles (0.00025%); highest among the groups gnomAD compares: South Asian, 0.0011%; no homozygotes.

Submissions (2):

Labcorp Genetics (formerly Invitae), Labcorp
Classification: Uncertain significance for Ataxia-telangiectasia-like disorder. Last evaluated: 2018-06-13. Review status: criteria provided, single submitter. Criteria: Invitae Variant Classification Sherloc (09022015). Collection method: clinical testing. Allele origin: germline.
Comment: This sequence change replaces asparagine with serine at codon 699 of the MRE11 protein (p.Asn699Ser). The asparagine residue is weakly conserved and there is a small physicochemical difference between asparagine and serine. In summary, the available evidence is currently insufficient to determine the role of this variant in disease. Therefore, it has been classified as a Variant of Uncertain Significance. Algorithms developed to predict the effect of missense changes on protein structure and function output the following: SIFT: "Tolerated"; PolyPhen-2: "Benign"; Align-GVGD: "Class C0". The serine amino acid residue is found in multiple mammalian species, suggesting that this missense change does not adversely affect protein function. These predictions have not been confirmed by published functional studies and their clinical significance is uncertain. This variant has not been reported in the literature in individuals with MRE11-related disease. ClinVar contains an entry for this variant (Variation ID: 233046). This variant is not present in population databases (ExAC no frequency).

Ambry Genetics
Classification: Uncertain significance for Hereditary cancer-predisposing syndrome. Last evaluated: 2015-07-17. Review status: criteria provided, single submitter. Criteria: Ambry Variant Classification Scheme 2023. Collection method: clinical testing. Allele origin: germline.
Comment: The p.N699S variant (also known as c.2096A>G), located in coding exon 19 of the MRE11A gene, results from an A to G substitution at nucleotide position 2096. The asparagine at codon 699 is replaced by serine, an amino acid with highly similar properties. This variant was not reported in population based cohorts in the following databases: Database of Single Nucleotide Polymorphisms (dbSNP), NHLBI Exome Sequencing Project (ESP), and 1000 Genomes Project. In the ESP, this variant was not observed in 6480 samples (12960 alleles) with coverage at this position. To date, this alteration has been detected with an allele frequency of approximately 0.002% (greater than 120000 alleles tested) in our clinical cohort. This amino acid position is well conserved in available vertebrate species. In addition, this alteration is predicted to be tolerated by in silico analysis. Since supporting evidence is limited at this time, the clinical significance of p.N699S remains unclear.